The following is an entry in ClinVar:

NM_006073.4(TRDN):c.1682T>C (p.Val561Ala)

Gene: TRDN (triadin; minus strand). Cytogenetic location: 6q22.31.
Variant type: single nucleotide variant.
Coding change: c.1682T>C on transcript NM_006073.4 (MANE Select); coding-DNA position 1682, T replaced by C.
Protein change: p.Val561Ala; replaces valine 561 with alanine.
Molecular consequence: missense variant.
Genome position (GRCh38, 1-based): chr6:123,271,177, A>G on the plus strand (T>C on the coding strand, the complement: TRDN is on the minus strand). VCF-style: chr6-123271177-A-G. GRCh37 (hg19) VCF-style: chr6-123592322-A-G.
Other names: short protein forms V561A.
Identifiers: ClinVar variation 3225238 (VCV003225238.1), dbSNP rs947096255, ClinGen allele CA365564579.
Genomic context (GRCh38, chr6:123,271,177, plus strand): 5'-AAATATAAAATACCTTATTTACCTGTTTTTTCTATTGTGACAGCTTTTACCTGCTTGAGA[A>G]CTTTTTCTTCTGTGATAGGAAAAAATGTTAACACAAGTAGGAAATTTGAATACATCAGTG-3'
Protein context (NP_006064.2, residues 551-571): TVSHGKPEEK[Val561Ala]LKQVKAVTIE

ClinVar aggregate classification (germline): Uncertain significance (1 of 4 stars; one submission).

Conditions:
Cardiovascular phenotype. Identifiers: MedGen CN230736.

gnomAD v4.1: 5 of 1,540,194 alleles (0.00032%); highest among the groups gnomAD compares: Non-Finnish European, 0.00044%; no homozygotes.

Submission:

Ambry Genetics
Classification: Uncertain significance for Cardiovascular phenotype. Last evaluated: 2023-12-22. Review status: criteria provided, single submitter. Criteria: Ambry Variant Classification Scheme 2023. Collection method: clinical testing. Allele origin: germline.
Comment: The p.V561A variant (also known as c.1682T>C), located in coding exon 30 of the TRDN gene, results from a T to C substitution at nucleotide position 1682. The valine at codon 561 is replaced by alanine, an amino acid with similar properties. This amino acid position is conserved. In addition, this alteration is predicted to be tolerated by in silico analysis. Since supporting evidence is limited at this time, the clinical significance of this alteration remains unclear.